The following is an entry in ClinVar:

ClinVar aggregate classification (germline): Uncertain significance (1 of 4 stars; one submission).

Submission:

GeneDx
Classification: Uncertain significance. Last evaluated: 2022-07-19. Review status: criteria provided, single submitter. Criteria: GeneDx Variant Classification Process June 2021. Collection method: clinical testing. Allele origin: germline. Affected: yes.
Comment: Not observed at significant frequency in large population cohorts (gnomAD); In silico analysis supports that this missense variant has a deleterious effect on protein structure/function; Has not been previously published as pathogenic or benign to our knowledge

NM_001003694.2(BRPF1):c.1753A>G (p.Lys585Glu)

Gene: BRPF1 (bromodomain and PHD finger containing 1; plus strand). Cytogenetic location: 3p25.3.
Variant type: single nucleotide variant.
Coding change: c.1753A>G on transcript NM_001003694.2 (MANE Select); coding-DNA position 1753, A replaced by G.
Protein change: p.Lys585Glu; replaces lysine 585 with glutamic acid.
Molecular consequence: missense variant. On other transcripts: non-coding transcript variant (1).
Genome position (GRCh38, 1-based): chr3:9,741,338, A>G. VCF-style: chr3-9741338-A-G. GRCh37 (hg19) VCF-style: chr3-9783022-A-G.
Other names: c.1753A>G, p.Lys585Glu (NM_001319049.2, NM_001319050.2, NM_001410704.1 and 1 more transcripts); short protein forms K585E.
Identifiers: ClinVar variation 2136161 (VCV002136161.1), dbSNP rs2471485162, ClinGen allele CA351690697.
Genomic context (GRCh38, chr3:9,741,338, plus strand): 5'-CATCCTCTGATCTTCGTTTTGCCTCTACAGAGAGATTCTGAGGATAAGAACTGGGCCCTT[A>G]AAGAACAGCTCAAGTCCTGGCAGCGGCTCCGGCATGACTTGGAGCGAGCTCGGCTGCTCG-3'
Protein context (NP_001003694.1, residues 575-595): RDSEDKNWAL[Lys585Glu]EQLKSWQRLR